The following is an entry in ClinVar:

ClinVar aggregate classification (germline): Likely benign. Review status: criteria provided, multiple submitters, no conflicts (2 of 4 stars). 4 submissions from 4 submitters: Likely benign (4). Last evaluated 2026-02-10.

Conditions:
Arrhythmogenic cardiomyopathy with wooly hair and keratoderma. Also called: Dilated cardiomyopathy with woolly hair and keratoderma; Carvajal syndrome; PALMOPLANTAR KERATODERMA WITH LEFT VENTRICULAR CARDIOMYOPATHY AND WOOLLY HAIR; Arrhythmogenic cardiomyopathy with woolly hair and keratoderma. Identifiers: Orphanet 65282, MedGen C1854063, MONDO:0011581, OMIM 605676.
Arrhythmogenic right ventricular dysplasia 8 (ARVD8). Also called: Arrhythmogenic Right Ventricular Dysplasia/Cardiomyopathy 8; ARRHYTHMOGENIC RIGHT VENTRICULAR DYSPLASIA, FAMILIAL, 8; ARRHYTHMOGENIC RIGHT VENTRICULAR CARDIOMYOPATHY 8. Identifiers: MedGen C1843896, MONDO:0011831, OMIM 607450.
DSP-related disorder. Also called: DSP-related disorders; DSP-related condition.
Cardiovascular phenotype. Identifiers: MedGen CN230736.

Allele frequency attached by ClinVar (database versions not stated): TOPMed below 0.00001; gnomAD exomes 0.00001.
gnomAD v4.1: 20 of 1,614,256 alleles (0.0012%); highest among the groups gnomAD compares: Non-Finnish European, 0.0017%; no homozygotes.

Submissions (4):

PreventionGenetics, part of Exact Sciences
Classification: Likely benign for DSP-related condition. Last evaluated: 2026-02-10. Review status: criteria provided, single submitter. Criteria: ACMG Guidelines, 2015. Collection method: clinical testing. Allele origin: germline.
Comment: This variant is classified as likely benign based on ACMG/AMP sequence variant interpretation guidelines (Richards et al. 2015 PMID: 25741868, with internal and published modifications).

Labcorp Genetics (formerly Invitae), Labcorp
Classification: Likely benign for Arrhythmogenic cardiomyopathy with wooly hair and keratoderma; Arrhythmogenic right ventricular dysplasia 8. Last evaluated: 2024-08-10. Review status: criteria provided, single submitter. Criteria: Invitae Variant Classification Sherloc (09022015). Collection method: clinical testing. Allele origin: germline.

Ambry Genetics
Classification: Likely benign for Cardiovascular phenotype. Last evaluated: 2024-06-09. Review status: criteria provided, single submitter. Criteria: Ambry Variant Classification Scheme 2023. Collection method: clinical testing. Allele origin: germline.

All of Us Research Program, National Institutes of Health
Classification: Likely benign for Arrhythmogenic cardiomyopathy with wooly hair and keratoderma. Last evaluated: 2023-10-27. Review status: criteria provided, single submitter. Criteria: ACMG Guidelines, 2015. Collection method: clinical testing. Allele origin: germline. Inheritance: Autosomal dominant inheritance. Observed: 1 variant allele, 1 heterozygote.
Comment: This study involves interpretation of variants in research participants for the purpose of population health screening. Participant phenotype was not available at the time of variant classification. Additional details can be found in publication PMID: 35346344, PMCID: PMC8962531

NM_004415.4(DSP):c.378A>G (p.Arg126=)

Gene: DSP (desmoplakin; plus strand). Cytogenetic location: 6p24.3.
Variant type: single nucleotide variant.
Coding change: c.378A>G on transcript NM_004415.4 (MANE Select); coding-DNA position 378, A replaced by G.
Protein change: p.Arg126=; no amino-acid change (arginine 126 retained).
Molecular consequence: synonymous variant.
Genome position (GRCh38, 1-based): chr6:7,558,220, A>G. VCF-style: chr6-7558220-A-G. GRCh37 (hg19) VCF-style: chr6-7558453-A-G.
Other names: c.378A>G, p.Arg126= (NM_001008844.3, NM_001319034.2); c.378A>G (NM_004415.2, NM_004415.3).
Identifiers: ClinVar variation 1564666 (VCV001564666.11), dbSNP rs1758561693, ClinGen allele CA448512079.
Genomic context (GRCh38, chr6:7,558,220, plus strand): 5'-ATTGGATGAGTGTTTTGCCCAGGCCAATGACCAAATGGAAATCCTCGACAGCTTGATCAG[A>G]GAGATGCGGCAGATGGGCCAGCCCTGTGATGCTTACCAGAAAAGGTATTGTCCACAGAGC-3'
Protein context (NP_004406.2, residues 116-136): DQMEILDSLI[Arg126=]EMRQMGQPCD